The following is an entry in ClinVar:

NM_001267550.2(TTN):c.95446G>T (p.Glu31816Ter)

Genes: TTN (titin; minus strand), TTN-AS1 (TTN antisense RNA 1; plus strand). Cytogenetic location: 2q31.2.
Variant type: single nucleotide variant.
Coding change: c.95446G>T on transcript NM_001267550.2 (MANE Select); coding-DNA position 95446, G replaced by T.
Protein change: p.Glu31816Ter; replaces glutamic acid 31816 with a stop codon.
Molecular consequence: nonsense.
Genome position (GRCh38, 1-based): chr2:178,545,664, C>A on the plus strand (G>T on the coding strand, the complement: TTN is on the minus strand). VCF-style: chr2-178545664-C-A. GRCh37 (hg19) VCF-style: chr2-179410391-C-A.
Other names: c.90523G>T, p.Glu30175Ter (NM_001256850.1); c.68251G>T, p.Glu22751Ter (NM_003319.4); c.87742G>T, p.Glu29248Ter (NM_133378.4); c.68626G>T, p.Glu22876Ter (NM_133432.3); c.68827G>T, p.Glu22943Ter (NM_133437.4); short protein forms E22751*, E22876*, E22943*, E29248*, E30175*, E31816*.
Identifiers: ClinVar variation 2113927 (VCV002113927.4), dbSNP rs2469015874, ClinGen allele CA349461556.

ClinVar aggregate classification (germline): Likely pathogenic (1 of 4 stars; one submission).

Conditions:
Dilated cardiomyopathy 1G (CMD1G). Identifiers: Orphanet 154, MedGen C1858763, MONDO:0011400, OMIM 604145.
Autosomal recessive limb-girdle muscular dystrophy type 2J (LGMDR10). Also called: Limb-girdle muscular dystrophy, type 2J; MUSCULAR DYSTROPHY, LIMB-GIRDLE, AUTOSOMAL RECESSIVE 10. Identifiers: Orphanet 140922, MedGen C1837342, MONDO:0012127, OMIM 608807.

Submission:

Labcorp Genetics (formerly Invitae), Labcorp
Classification: Likely pathogenic for Dilated cardiomyopathy 1G; Autosomal recessive limb-girdle muscular dystrophy type 2J. Last evaluated: 2022-03-18. Review status: criteria provided, single submitter. Criteria: Invitae Variant Classification Sherloc (09022015). Collection method: clinical testing. Allele origin: germline.
Comment: This sequence change creates a premature translational stop signal (p.Glu31816*) in the TTN gene. While this is not anticipated to result in nonsense mediated decay, it is expected to create a truncated TTN protein. This variant is not present in population databases (gnomAD no frequency). This variant has not been reported in the literature in individuals affected with TTN-related conditions. This variant is located in the A band of TTN (PMID: 25589632). Truncating variants in this region are significantly overrepresented in patients affected with dilated cardiomyopathy (PMID: 25589632). Truncating variants in this region have also been reported in individuals affected with autosomal recessive centronuclear myopathy (PMID: 23975875). In summary, the currently available evidence indicates that the variant is pathogenic, but additional data are needed to prove that conclusively. Therefore, this variant has been classified as Likely Pathogenic.

Literature cited by the submitters: PubMed 25589632; PubMed 23975875.